The following is an entry in ClinVar:

NM_000257.4(MYH7):c.530C>T (p.Thr177Ile)

Gene: MYH7 (myosin heavy chain 7; minus strand). Cytogenetic location: 14q11.2.
Variant type: single nucleotide variant.
Coding change: c.530C>T on transcript NM_000257.4 (MANE Select); coding-DNA position 530, C replaced by T.
Protein change: p.Thr177Ile; replaces threonine 177 with isoleucine.
Molecular consequence: missense variant.
Genome position (GRCh38, 1-based): chr14:23,432,479, G>A on the plus strand (C>T on the coding strand, the complement: MYH7 is on the minus strand). VCF-style: chr14-23432479-G-A. GRCh37 (hg19) VCF-style: chr14-23901688-G-A.
Other names: short protein forms T177I.
Identifiers: ClinVar variation 188596 (VCV000188596.21), dbSNP rs752930302, ClinGen allele CA015916.

ClinVar aggregate classification (germline): Uncertain significance. Review status: criteria provided, multiple submitters, no conflicts (2 of 4 stars). 7 submissions from 7 submitters: Uncertain significance (7). Last evaluated 2025-10-28.

Conditions:
Cardiovascular phenotype. Identifiers: MedGen CN230736.
Cardiomyopathy (CMYO). Also called: Cardiomyopathies. Identifiers: Orphanet 167848, MedGen C0878544, MONDO:0004994, HP:0001638. Inheritance: Various modes of inheritance.
Hypertrophic cardiomyopathy 1 (CMH1). Also called: Familial hypertrophic cardiomyopathy 1; MYH7-Related Familial Hypertrophic Cardiomyopathy. Identifiers: MedGen C3495498, MONDO:0008647, OMIM 192600.
Hypertrophic cardiomyopathy. Also called: HYPERTROPHIC MYOCARDIOPATHY. Identifiers: Orphanet 217569, MedGen C0007194, MeSH D002312, MONDO:0005045, HP:0001639.

Allele frequency attached by ClinVar (database versions not stated): TOPMed below 0.00001; gnomAD exomes 0.00001 and below 0.00001; ExAC 0.00002.
gnomAD v4.1: 6 of 1,614,148 alleles (0.00037%); highest among the groups gnomAD compares: South Asian, 0.0033%; no homozygotes.

Submissions (7):

Ambry Genetics
Classification: Uncertain significance for Cardiovascular phenotype. Last evaluated: 2025-10-28. Review status: criteria provided, single submitter. Criteria: Ambry Variant Classification Scheme 2023. Collection method: clinical testing. Allele origin: germline.
Comment: The p.T177I variant (also known as c.530C>T), located in coding exon 4 of the MYH7 gene, results from a C to T substitution at nucleotide position 530. The amino acid change results in threonine to isoleucine at codon 177, an amino acid with similar properties. This variant has been detected in hypertrophic cardiomyopathy (HCM) cohorts; however, in one case, it co-occurred with a mutation in the TNNT2 gene (Millat G et al. Eur J Med Genet. 2010 Jul;53:261-7; Teirlinck CH et al. BMC Med. Genet., 2012 Nov;13:105; Homburger JR et al. Proc. Natl. Acad. Sci. U.S.A., 2016 06;113:6701-6). This amino acid position is highly conserved in available vertebrate species. In addition, this alteration is predicted to be deleterious by in silico analysis. Since supporting evidence is limited at this time, the clinical significance of this alteration remains unclear.

All of Us Research Program, National Institutes of Health
Classification: Uncertain significance for Cardiomyopathy. Last evaluated: 2023-08-15. Review status: criteria provided, single submitter. Criteria: ACMG Guidelines, 2015. Collection method: clinical testing. Allele origin: germline. Inheritance: Autosomal dominant inheritance. Observed: 1 variant allele, 1 heterozygote.
Comment: This missense variant replaces threonine with isoleucine at codon 177 of the MYH7 protein. Computational prediction suggests that this variant may have a deleterious impact on protein structure and function (internally defined REVEL score threshold >= 0.7, PMID: 27666373). To our knowledge, functional studies have not been reported for this variant. This variant has been reported in individuals affected with hypertrophic cardiomyopathy (PMID: 20624503, 20800588, 23140321, 27247418). One of these individuals also carried a pathogenic variant in the TNNT2 gene (PMID: 20624503). This variant has been identified in 3/251482 chromosomes in the general population by the Genome Aggregation Database (gnomAD). The available evidence is insufficient to determine the role of this variant in disease conclusively. Therefore, this variant is classified as a Variant of Uncertain Significance.

This study involves interpretation of variants in research participants for the purpose of population health screening. Participant phenotype was not available at the time of variant classification. Additional details can be found in publication PMID: 35346344, PMCID: PMC8962531

Color Diagnostics, LLC DBA Color Health
Classification: Uncertain significance for Cardiomyopathy. Last evaluated: 2023-08-04. Review status: criteria provided, single submitter. Criteria: ACMG Guidelines, 2015. Collection method: clinical testing. Allele origin: germline.
Comment: This missense variant replaces threonine with isoleucine at codon 177 of the MYH7 protein. Computational prediction suggests that this variant may have a deleterious impact on protein structure and function (internally defined REVEL score threshold >= 0.7, PMID: 27666373). To our knowledge, functional studies have not been reported for this variant. This variant has been reported in individuals affected with hypertrophic cardiomyopathy (PMID: 20624503, 20800588, 23140321, 27247418). One of these individuals also carried a pathogenic variant in the TNNT2 gene (PMID: 20624503). This variant has been identified in 3/251482 chromosomes in the general population by the Genome Aggregation Database (gnomAD). The available evidence is insufficient to determine the role of this variant in disease conclusively. Therefore, this variant is classified as a Variant of Uncertain Significance.

Labcorp Genetics (formerly Invitae), Labcorp
Classification: Uncertain significance for Hypertrophic cardiomyopathy. Last evaluated: 2022-03-07. Review status: criteria provided, single submitter. Criteria: Invitae Variant Classification Sherloc (09022015). Collection method: clinical testing. Allele origin: germline.
Comment: This sequence change replaces threonine, which is neutral and polar, with isoleucine, which is neutral and non-polar, at codon 177 of the MYH7 protein (p.Thr177Ile). This variant is present in population databases (rs752930302, gnomAD 0.006%). This missense change has been observed in individual(s) with clinical features of hypertrophic cardiomyopathy (PMID: 27247418). ClinVar contains an entry for this variant (Variation ID: 188596). Algorithms developed to predict the effect of missense changes on protein structure and function are either unavailable or do not agree on the potential impact of this missense change (SIFT: "Deleterious"; PolyPhen-2: "Probably Damaging"; Align-GVGD: "Class C0"). Algorithms developed to predict the effect of sequence changes on RNA splicing suggest that this variant may disrupt the consensus splice site. In summary, the available evidence is currently insufficient to determine the role of this variant in disease. Therefore, it has been classified as a Variant of Uncertain Significance.

CHEO Genetics Diagnostic Laboratory, Children's Hospital of Eastern Ontario
Classification: Uncertain significance for Cardiomyopathy. Last evaluated: 2022-02-16. Review status: criteria provided, single submitter. Criteria: ACMG Guidelines, 2015. Collection method: clinical testing. Allele origin: germline.

MGZ Medical Genetics Center
Classification: Uncertain significance for Hypertrophic cardiomyopathy 1. Last evaluated: 2022-02-14. Review status: criteria provided, single submitter. Criteria: ACMG Guidelines, 2015. Collection method: clinical testing. Allele origin: germline. Affected: yes. Observed: 1 variant allele.
Comment: ACMG criteria applied: PM2_SUP, PP2, PP3

Laboratory for Molecular Medicine, Mass General Brigham Personalized Medicine
Classification: Uncertain significance. Last evaluated: 2017-03-01. Review status: criteria provided, single submitter. Criteria: LMM Criteria. Collection method: clinical testing. Allele origin: germline.
Comment: Variant identified in a genome or exome case(s) and assessed due to predicted null impact of the variant or pathogenic assertions in the literature or databases. Disclaimer: This variant has not undergone full assessment. The following are preliminary notes: 3 papers HGMD, variant found in 1 patient with a TNNT2 variant, 1 variant in 1 HCM cohort,

Literature cited by the submitters: PubMed 20624503 (cited by 3 submitters); PubMed 20800588 (cited by 3 submitters); PubMed 23140321 (cited by 3 submitters); PubMed 25125180 (cited by Ambry Genetics); PubMed 27247418 (cited by 4 submitters); PubMed 28771489 (cited by Ambry Genetics); PubMed 28840316 (cited by Ambry Genetics); PubMed 29687901 (cited by Ambry Genetics).